The following is an entry in ClinVar:

NM_032656.4(DHX37):c.2691C>T (p.Thr897=)

Gene: DHX37 (DEAH-box helicase 37; minus strand). Cytogenetic location: 12q24.31.
Variant type: single nucleotide variant.
Coding change: c.2691C>T on transcript NM_032656.4 (MANE Select); coding-DNA position 2691, C replaced by T.
Protein change: p.Thr897=; no amino-acid change (threonine 897 retained).
Molecular consequence: synonymous variant.
Genome position (GRCh38, 1-based): chr12:124,953,884, G>A on the plus strand (C>T on the coding strand, the complement: DHX37 is on the minus strand). VCF-style: chr12-124953884-G-A. GRCh37 (hg19) VCF-style: chr12-125438430-G-A.
Identifiers: ClinVar variation 2643577 (VCV002643577.25), dbSNP rs374620898, ClinGen allele CA6871545.

ClinVar aggregate classification (germline): Likely benign. Review status: criteria provided, multiple submitters, no conflicts (2 of 4 stars). 2 submissions from 2 submitters: Likely benign (2). Last evaluated 2026-06-01.

Allele frequency attached by ClinVar (database versions not stated): TOPMed 0.00006; ExAC 0.00060; 1000 Genomes Project 30x 0.00062; 1000 Genomes Project 0.00080.
gnomAD v4.1: 326 of 1,611,200 alleles (0.02%); highest among the groups gnomAD compares: South Asian, 0.33%; 1 homozygote.

Submissions (2):

CeGaT Center for Human Genetics Tuebingen
Classification: Likely benign. Last evaluated: 2026-06-01. Review status: criteria provided, single submitter. Criteria: CeGaT Center For Human Genetics Tuebingen Variant Classification Criteria Version 2. Collection method: clinical testing. Allele origin: germline. Affected: yes. Observed: 2 variant alleles.
Comment: DHX37: BP4, BP7

Blueprint Genetics
Classification: Likely benign. Last evaluated: 2024-09-17. Review status: criteria provided, single submitter. Criteria: ACMG Guidelines, 2015. Collection method: clinical testing. Allele origin: germline.